The following is an entry in ClinVar:

NM_015378.4(VPS13D):c.10818_10821del (p.Gly3607fs)

Gene: VPS13D (vacuolar protein sorting 13 homolog D; plus strand). Cytogenetic location: 1p36.22.
Variant type: Deletion.
Coding change: c.10818_10821del on transcript NM_015378.4 (MANE Select); coding-DNA positions 10818 to 10821, 4 bases deleted (GGGA; older notation c.10818_10821delGGGA).
Protein change: p.Gly3607fs; shifts the reading frame from glycine 3607.
Molecular consequence: frameshift variant.
Genome position (GRCh38, 1-based): chr1:12,373,759-12,373,762, GGGA deleted; deleting any 4 consecutive bases within chr1:12,373,756-12,373,762 gives the same sequence; the c. name uses the placement nearest the transcript's 3' end. VCF-style (leftmost placement, unchanged base first): chr1-12373755-AGGAG-A. GRCh37 (hg19) VCF-style: chr1-12433810-AGGAG-A.
Other names: c.10743_10746del, p.Gly3582fs (NM_018156.4); short protein forms G3582fs, G3607fs.
Identifiers: ClinVar variation 2636262 (VCV002636262.4), dbSNP rs1288603602, ClinGen allele CA887182156.

ClinVar aggregate classification (germline): Pathogenic/Likely pathogenic. Review status: criteria provided, multiple submitters, no conflicts (2 of 4 stars). 2 submissions from 2 submitters: Pathogenic (1); Likely pathogenic (1). Last evaluated 2023-07-26.

Conditions:
VPS13D-related disorder. Also called: VPS13D-related condition.

Submissions (2):

PreventionGenetics, part of Exact Sciences
Classification: Likely pathogenic for VPS13D-related condition. Last evaluated: 2023-07-26. Review status: criteria provided, single submitter. Criteria: ACMG Guidelines, 2015. Collection method: clinical testing. Allele origin: germline.
Comment: The VPS13D c.10818_10821delGGGA variant is predicted to result in a frameshift and premature protein termination (p.Gly3607Glnfs*29). To our knowledge, this variant has not been reported in the literature or in a large population database, indicating this variant is rare. Frameshift variants in VPS13D are expected to be pathogenic. This variant is interpreted as likely pathogenic.

Labcorp Genetics (formerly Invitae), Labcorp
Classification: Pathogenic. Last evaluated: 2023-04-19. Review status: criteria provided, single submitter. Criteria: Invitae Variant Classification Sherloc (09022015). Collection method: clinical testing. Allele origin: germline.
Comment: For these reasons, this variant has been classified as Pathogenic. This variant has not been reported in the literature in individuals affected with VPS13D-related conditions. This variant is not present in population databases (gnomAD no frequency). This sequence change creates a premature translational stop signal (p.Gly3607Glnfs*29) in the VPS13D gene. It is expected to result in an absent or disrupted protein product. Loss-of-function variants in VPS13D are known to be pathogenic (PMID: 29518281).

Literature cited by the submitters: PubMed 29518281 (cited by Labcorp Genetics (formerly Invitae), Labcorp).